The following is an entry in ClinVar:

ClinVar aggregate classification (germline): Uncertain significance. Review status: criteria provided, multiple submitters, no conflicts (2 of 4 stars). 2 submissions from 2 submitters: Uncertain significance (2). Last evaluated 2025-01-10.

Conditions:
Hereditary cancer-predisposing syndrome. Also called: Hereditary Cancer Syndrome; Hereditary neoplastic syndrome; Tumor predisposition; Neoplastic Syndromes, Hereditary. Identifiers: Orphanet 140162, MedGen C0027672, MeSH D009386, MONDO:0015356.
Gorlin syndrome. Also called: Basal cell nevus syndrome; Nevoid Basal Cell Carcinoma Syndrome. Identifiers: Orphanet 377, MedGen C0004779, MONDO:0007187.

Submissions (2):

Ambry Genetics
Classification: Uncertain significance for Hereditary cancer-predisposing syndrome. Last evaluated: 2025-01-10. Review status: criteria provided, single submitter. Criteria: Ambry Variant Classification Scheme 2023. Collection method: clinical testing. Allele origin: germline.
Comment: The p.P1180L variant (also known as c.3539C>T), located in coding exon 21 of the PTCH1 gene, results from a C to T substitution at nucleotide position 3539. The proline at codon 1180 is replaced by leucine, an amino acid with similar properties. This amino acid position is highly conserved in available vertebrate species. In addition, this alteration is predicted to be deleterious by in silico analysis. Based on the available evidence, the clinical significance of this variant remains unclear.

Labcorp Genetics (formerly Invitae), Labcorp
Classification: Uncertain significance for Gorlin syndrome. Last evaluated: 2023-11-01. Review status: criteria provided, single submitter. Criteria: Invitae Variant Classification Sherloc (09022015). Collection method: clinical testing. Allele origin: germline.
Comment: This sequence change replaces proline, which is neutral and non-polar, with leucine, which is neutral and non-polar, at codon 1180 of the PTCH1 protein (p.Pro1180Leu). This variant is not present in population databases (gnomAD no frequency). This variant has not been reported in the literature in individuals affected with PTCH1-related conditions. Advanced modeling of protein sequence and biophysical properties (such as structural, functional, and spatial information, amino acid conservation, physicochemical variation, residue mobility, and thermodynamic stability) performed at Invitae indicates that this missense variant is expected to disrupt PTCH1 protein function with a positive predictive value of 95%. In summary, the available evidence is currently insufficient to determine the role of this variant in disease. Therefore, it has been classified as a Variant of Uncertain Significance.

NM_000264.5(PTCH1):c.3539C>T (p.Pro1180Leu)

Gene: PTCH1 (patched 1; minus strand). Cytogenetic location: 9q22.32.
Variant type: single nucleotide variant.
Coding change: c.3539C>T on transcript NM_000264.5 (MANE Select); coding-DNA position 3539, C replaced by T.
Protein change: p.Pro1180Leu; replaces proline 1180 with leucine.
Molecular consequence: missense variant. On other transcripts: non-coding transcript variant (1).
Genome position (GRCh38, 1-based): chr9:95,449,851, G>A on the plus strand (C>T on the coding strand, the complement: PTCH1 is on the minus strand). VCF-style: chr9-95449851-G-A. GRCh37 (hg19) VCF-style: chr9-98212133-G-A.
Other names: c.3341C>T, p.Pro1114Leu (NM_001083602.3); c.3536C>T, p.Pro1179Leu (NM_001083603.3); c.3086C>T, p.Pro1029Leu (NM_001083604.3, NM_001083605.3, NM_001083606.3 and 1 more transcripts); c.3383C>T, p.Pro1128Leu (NM_001354918.2); short protein forms P1114L, P1128L, P1180L, P1029L, P1179L.
Identifiers: ClinVar variation 2773129 (VCV002773129.3), dbSNP rs2538020782, ClinGen allele CA374111452.